The following is an entry in ClinVar:

ClinVar aggregate classification (germline): Likely benign (1 of 4 stars; one submission).

Allele frequency attached by ClinVar (database versions not stated): gnomAD exomes 0.00004; gnomAD 0.00007; ExAC 0.00010; ESP Exome Variant Server 0.00015; 1000 Genomes Project 0.00020; 1000 Genomes Project 30x 0.00031.
gnomAD v4.1: 70 of 1,614,044 alleles (0.0043%); highest among the groups gnomAD compares: East Asian, 0.022%; no homozygotes.

Submission:

CeGaT Center for Human Genetics Tuebingen
Classification: Likely benign. Last evaluated: 2025-03-01. Review status: criteria provided, single submitter. Criteria: CeGaT Center For Human Genetics Tuebingen Variant Classification Criteria Version 2. Collection method: clinical testing. Allele origin: germline. Affected: yes. Observed: 3 variant alleles.
Comment: HERC2: BP4, BP7

NM_004667.6(HERC2):c.12849C>T (p.Asp4283=)

Gene: HERC2 (HECT and RLD domain containing E3 ubiquitin protein ligase 2; minus strand). Cytogenetic location: 15q13.1.
Variant type: single nucleotide variant.
Coding change: c.12849C>T on transcript NM_004667.6 (MANE Select); coding-DNA position 12849, C replaced by T.
Protein change: p.Asp4283=; no amino-acid change (aspartic acid 4283 retained).
Molecular consequence: synonymous variant.
Genome position (GRCh38, 1-based): chr15:28,125,147, G>A on the plus strand (C>T on the coding strand, the complement: HERC2 is on the minus strand). VCF-style: chr15-28125147-G-A. GRCh37 (hg19) VCF-style: chr15-28370293-G-A.
Identifiers: ClinVar variation 3025193 (VCV003025193.22), dbSNP rs140379541, ClinGen allele CA7440194.